The following is an entry in ClinVar:

ClinVar aggregate classification (germline): Uncertain significance (1 of 4 stars; one submission).

Conditions:
OTOA-related disorder. Also called: OTOA-related condition.

Submission:

PreventionGenetics, part of Exact Sciences
Classification: Uncertain significance for OTOA-related condition. Last evaluated: 2026-04-24. Review status: criteria provided, single submitter. Criteria: ACMG Guidelines, 2015. Collection method: clinical testing. Allele origin: germline.
Comment: The OTOA c.3203_3205delCGG variant is predicted to result in an in-frame deletion (p.Ala1068del). To our knowledge, this variant has not been reported in the literature. This variant is reported in 0.065% of alleles in individuals of Latino descent in gnomAD, although NGS based data may be unreliable due to sequence paralogy. At this time, the clinical significance of this variant is uncertain due to the absence of conclusive functional and genetic evidence.

NM_144672.4(OTOA):c.3200CGG[1] (p.Ala1068del)

Gene: OTOA (otoancorin). Cytogenetic location: 16p12.2.
Variant type: Microsatellite.
Coding change: c.3200CGG[1] on transcript NM_144672.4 (MANE Select); one copy of the 3-base unit CGG starting at c.3200.
Protein change: p.Ala1068del; deletes alanine 1068.
Molecular consequence: inframe deletion.
Genome position: GRCh38 VCF-style: chr16-21757126-CGCG-C. GRCh37 (hg19) VCF-style: chr16-21768447-CGCG-C.
Other names: c.2963CGG[1], p.Ala989del (NM_001161683.2); c.2228CGG[1], p.Ala744del (NM_170664.3); short protein forms A1068del, A744del, A989del.
Identifiers: ClinVar variation 4988897 (VCV004988897.1).